The following is an entry in ClinVar:

NM_018993.4(RIN2):c.-36-2826C>T

Gene: RIN2 (Ras and Rab interactor 2; plus strand). Cytogenetic location: 20p11.23.
Variant type: single nucleotide variant.
Coding change: c.-36-2826C>T on transcript NM_018993.4 (MANE Select); 2826 bases into the intron before 36 bases upstream of the start codon, C replaced by T.
Molecular consequence: intron variant. On other transcripts: missense variant (1).
Genome position (GRCh38, 1-based): chr20:19,886,740, C>T. VCF-style: chr20-19886740-C-T. GRCh37 (hg19) VCF-style: chr20-19867384-C-T.
Other names: c.71C>T, p.Pro24Leu (NM_001242581.2); c.-581-2826C>T (NM_001378238.1); short protein forms P24L.
Identifiers: ClinVar variation 444566 (VCV000444566.53), dbSNP rs183028833, ClinGen allele CA9779658.

ClinVar aggregate classification (germline): Likely benign. Review status: criteria provided, multiple submitters, no conflicts (2 of 4 stars). 5 submissions from 5 submitters: Likely benign (4). 1 of the submissions does not count toward it. Last evaluated 2026-08-01.

Conditions:
RIN2-related disorder. Also called: RIN2-related condition.

Allele frequency attached by ClinVar (database versions not stated): 1000 Genomes Project 30x 0.00078; 1000 Genomes Project 0.00080; ExAC 0.00137; TOPMed 0.00294; gnomAD 0.00296 and 0.00305.
gnomAD v4.1: 7,459 of 1,545,556 alleles (0.48%); highest among the groups gnomAD compares: Non-Finnish European, 0.61%; 42 homozygotes.

Submissions (5):

CeGaT Center for Human Genetics Tuebingen
Classification: Likely benign. Last evaluated: 2026-08-01. Review status: criteria provided, single submitter. Criteria: CeGaT Center For Human Genetics Tuebingen Variant Classification Criteria Version 2. Collection method: clinical testing. Allele origin: germline. Affected: yes. Observed: 11 variant alleles.
Comment: RIN2: BP4, BS2

Labcorp Genetics (formerly Invitae), Labcorp
Classification: Likely benign. Last evaluated: 2026-01-28. Review status: criteria provided, single submitter. Criteria: Invitae Variant Classification Sherloc (09022015). Collection method: clinical testing. Allele origin: germline.

Blueprint Genetics
Classification: Likely benign. Last evaluated: 2024-11-13. Review status: criteria provided, single submitter. Criteria: ACMG Guidelines, 2015. Collection method: clinical testing. Allele origin: germline.

GeneDx
Classification: Likely benign. Last evaluated: 2017-07-13. Review status: criteria provided, single submitter. Criteria: GeneDx Variant Classification (06012015). Collection method: clinical testing. Allele origin: germline. Affected: yes.
Comment: This variant is considered likely benign or benign based on one or more of the following criteria: it is a conservative change, it occurs at a poorly conserved position in the protein, it is predicted to be benign by multiple in silico algorithms, and/or has population frequency not consistent with disease.

PreventionGenetics, part of Exact Sciences
Classification: Likely benign for RIN2-related condition. Last evaluated: 2019-05-31. Review status: no assertion criteria provided. Collection method: clinical testing. Allele origin: germline. Not counted in ClinVar's aggregate classification.
Comment: This variant is classified as likely benign based on ACMG/AMP sequence variant interpretation guidelines (Richards et al. 2015 PMID: 25741868, with internal and published modifications).